The following is an entry in ClinVar:

ClinVar aggregate classification (germline): Uncertain significance (1 of 4 stars; one submission).

Conditions:
ABCA13-related disorder. Also called: ABCA13-related condition.

gnomAD v4.1: 1 of 1,613,054 alleles (0.000062%); highest among the groups gnomAD compares: Admixed American, 0.0017%; no homozygotes.

Submission:

PreventionGenetics, part of Exact Sciences
Classification: Uncertain significance for ABCA13-related condition. Last evaluated: 2026-03-05. Review status: criteria provided, single submitter. Criteria: ACMG Guidelines, 2015. Collection method: clinical testing. Allele origin: germline.
Comment: The ABCA13 c.2983A>G variant is predicted to result in the amino acid substitution p.Ile995Val. To our knowledge, this variant has not been reported in the literature or in a large population database (gnomAD), indicating this variant is rare. At this time, the clinical significance of this variant is uncertain due to the absence of conclusive functional and genetic evidence.

NM_152701.5(ABCA13):c.2983A>G (p.Ile995Val)

Gene: ABCA13 (ATP binding cassette subfamily A member 13; plus strand). Cytogenetic location: 7p12.3.
Variant type: single nucleotide variant.
Coding change: c.2983A>G on transcript NM_152701.5 (MANE Select); coding-DNA position 2983, A replaced by G.
Protein change: p.Ile995Val; replaces isoleucine 995 with valine.
Molecular consequence: missense variant.
Genome position (GRCh38, 1-based): chr7:48,272,649, A>G. VCF-style: chr7-48272649-A-G. GRCh37 (hg19) VCF-style: chr7-48312246-A-G.
Other names: short protein forms I995V.
Identifiers: ClinVar variation 4993515 (VCV004993515.1).